The following is an entry in ClinVar:

ClinVar aggregate classification (germline): Benign. Review status: criteria provided, multiple submitters, no conflicts (2 of 4 stars). 8 submissions from 5 submitters: Benign (8). Last evaluated 2026-02-02.

Conditions:
Retinitis pigmentosa (RP). Identifiers: Orphanet 791, MedGen C0035334, MeSH D012174, MONDO:0019200, OMIM 268000. Inheritance: Autosomal dominant, autosomal recessive and X linked inheritance.
Cone-rod dystrophy 12 (CORD12). Identifiers: Orphanet 1872, MedGen C2675210, MONDO:0012983, OMIM 612657.
Retinal macular dystrophy type 2 (MCDR2). Also called: Bull's eye macular dystrophy. Identifiers: Orphanet 319640, MedGen C4749334, MONDO:0011957, OMIM 608051.
Stargardt disease 4 (STGD4). Identifiers: Orphanet 827, MedGen C1863534, MONDO:0011370, OMIM 603786.

Allele frequency attached by ClinVar (database versions not stated): gnomAD exomes 0.02753; ExAC 0.03594; 1000 Genomes Project 0.05511; 1000 Genomes Project 30x 0.05637; TOPMed 0.05804; ESP Exome Variant Server 0.06038; gnomAD 0.06194.
gnomAD v4.1: 43,643 of 1,611,088 alleles (2.7%); highest among the groups gnomAD compares: African/African-American, 15%; 1,272 homozygotes.

Submissions (8):

Labcorp Genetics (formerly Invitae), Labcorp
Classification: Benign. Last evaluated: 2026-02-02. Review status: criteria provided, single submitter. Criteria: Invitae Variant Classification Sherloc (09022015). Collection method: clinical testing. Allele origin: germline.

GeneDx
Classification: Benign. Last evaluated: 2019-02-02. Review status: criteria provided, single submitter. Criteria: GeneDx Variant Classification (06012015). Collection method: clinical testing. Allele origin: germline. Affected: yes.

Illumina Laboratory Services, Illumina
Classification: Benign for Retinitis pigmentosa. Last evaluated: 2018-01-13. Review status: criteria provided, single submitter. Criteria: ICSL Variant Classification Criteria 13 December 2019. Collection method: clinical testing. Allele origin: germline.
Comment: This variant was observed in the ICSL laboratory as part of a predisposition screen in an ostensibly healthy population. It had not been previously curated by ICSL or reported in the Human Gene Mutation Database (HGMD: prior to June 1st, 2018), and was therefore a candidate for classification through an automated scoring system. Utilizing variant allele frequency, disease prevalence and penetrance estimates, and inheritance mode, an automated score was calculated to assess if this variant is too frequent to cause the disease. Based on the score and internal cut-off values, a variant classified as benign is not then subjected to further curation. The score for this variant resulted in a classification of benign for this disease.

Illumina Laboratory Services, Illumina
Classification: Benign for Cone-rod dystrophy 12. Last evaluated: 2018-01-13. Review status: criteria provided, single submitter. Criteria: ICSL Variant Classification Criteria 13 December 2019. Collection method: clinical testing. Allele origin: germline.
Comment: the same text as in the submission from Illumina Laboratory Services, Illumina above.

Illumina Laboratory Services, Illumina
Classification: Benign for Retinal macular dystrophy type 2. Last evaluated: 2018-01-13. Review status: criteria provided, single submitter. Criteria: ICSL Variant Classification Criteria 13 December 2019. Collection method: clinical testing. Allele origin: germline.
Comment: the same text as in the submission from Illumina Laboratory Services, Illumina above.

Illumina Laboratory Services, Illumina
Classification: Benign for Stargardt disease 4. Last evaluated: 2018-01-13. Review status: criteria provided, single submitter. Criteria: ICSL Variant Classification Criteria 13 December 2019. Collection method: clinical testing. Allele origin: germline.
Comment: the same text as in the submission from Illumina Laboratory Services, Illumina above.

Breakthrough Genomics
Classification: Benign. Review status: criteria provided, single submitter. Criteria: ACMG Guidelines, 2015. Collection method: not provided. Allele origin: germline. Inheritance: Autosomal recessive inheritance. Affected: yes.

PreventionGenetics, part of Exact Sciences
Classification: Benign. Review status: criteria provided, single submitter. Criteria: ACMG Guidelines, 2015. Collection method: clinical testing. Allele origin: germline.

NM_006017.3(PROM1):c.15C>T (p.Leu5=)

Gene: PROM1 (prominin 1; minus strand). Cytogenetic location: 4p15.32.
Variant type: single nucleotide variant.
Coding change: c.15C>T on transcript NM_006017.3 (MANE Select); coding-DNA position 15, C replaced by T.
Protein change: p.Leu5=; no amino-acid change (leucine 5 retained).
Molecular consequence: synonymous variant.
Genome position (GRCh38, 1-based): chr4:16,075,892, G>A on the plus strand (C>T on the coding strand, the complement: PROM1 is on the minus strand). VCF-style: chr4-16075892-G-A. GRCh37 (hg19) VCF-style: chr4-16077515-G-A.
Other names: c.15C>T, p.Leu5= (NM_001145847.2, NM_001145848.2, NM_001145849.2 and 6 more transcripts).
Identifiers: ClinVar variation 259904 (VCV000259904.15), dbSNP rs10033189, ClinGen allele CA2867201.